The following is an entry in ClinVar:

NM_022437.3(ABCG8):c.516G>C (p.Gln172His)

Gene: ABCG8 (ATP binding cassette subfamily G member 8; plus strand). Cytogenetic location: 2p21.
Variant type: single nucleotide variant.
Coding change: c.516G>C on transcript NM_022437.3 (MANE Select); coding-DNA position 516, G replaced by C.
Protein change: p.Gln172His; replaces glutamine 172 with histidine.
Molecular consequence: missense variant.
Genome position (GRCh38, 1-based): chr2:43,851,777, G>C. VCF-style: chr2-43851777-G-C. GRCh37 (hg19) VCF-style: chr2-44078916-G-C.
Other names: c.516G>C, p.Gln172His (NM_001357321.2); short protein forms Q172H.
Identifiers: ClinVar variation 3419266 (VCV003419266.1).

ClinVar aggregate classification (germline): Uncertain significance (1 of 4 stars; one submission).

Conditions:
Cardiovascular phenotype. Identifiers: MedGen CN230736.

gnomAD v4.1: 1 of 1,614,234 alleles (0.000062%); highest among the groups gnomAD compares: Non-Finnish European, 0.000085%; no homozygotes.

Submission:

Ambry Genetics
Classification: Uncertain significance for Cardiovascular phenotype. Last evaluated: 2024-08-11. Review status: criteria provided, single submitter. Criteria: Ambry Variant Classification Scheme 2023. Collection method: clinical testing. Allele origin: germline.
Comment: The p.Q172H variant (also known as c.516G>C), located in coding exon 4 of the ABCG8 gene, results from a G to C substitution at nucleotide position 516. The glutamine at codon 172 is replaced by histidine, an amino acid with highly similar properties. This amino acid position is conserved. In addition, this alteration is predicted to be tolerated by in silico analysis. Based on the available evidence, the clinical significance of this variant remains unclear.